The following is an entry in ClinVar:

ClinVar aggregate classification (germline): Benign (1 of 4 stars; one submission).

Allele frequency attached by ClinVar (database versions not stated): gnomAD 0.05803 and 0.06102; TOPMed 0.06881; 1000 Genomes Project 30x 0.11399; 1000 Genomes Project 0.11681.

Submission:

GeneDx
Classification: Benign. Last evaluated: 2018-06-16. Review status: criteria provided, single submitter. Criteria: GeneDx Variant Classification (06012015). Collection method: clinical testing. Allele origin: germline. Affected: yes.
Comment: This variant is considered likely benign or benign based on one or more of the following criteria: it is a conservative change, it occurs at a poorly conserved position in the protein, it is predicted to be benign by multiple in silico algorithms, and/or has population frequency not consistent with disease.

NM_012330.4(KAT6B):c.929-232C>T

Gene: KAT6B (lysine acetyltransferase 6B; plus strand). Cytogenetic location: 10q22.2.
Variant type: single nucleotide variant.
Coding change: c.929-232C>T on transcript NM_012330.4 (MANE Select); 232 bases into the intron before coding-DNA position 929, C replaced by T.
Molecular consequence: intron variant.
Genome position (GRCh38, 1-based): chr10:74,972,275, C>T. VCF-style: chr10-74972275-C-T. GRCh37 (hg19) VCF-style: chr10-76732033-C-T.
Other names: c.929-232C>T (NM_001370139.1, NM_001370136.1, NM_001370138.1 and 7 more transcripts); c.928+2174C>T (NM_001370144.1, NM_001370143.1); c.192+12197C>T (NM_001370135.1); c.846+2500C>T (NM_001370133.1); c.193-6949C>T (NM_001370134.1).
Identifiers: ClinVar variation 561615 (VCV000561615.1), dbSNP rs10490992, ClinGen allele CA209701810.